The following is an entry in ClinVar:

NM_000088.4(COL1A1):c.3534del (p.Gly1181fs)

Gene: COL1A1 (collagen type I alpha 1 chain; minus strand). Cytogenetic location: 17q21.33.
Variant type: Deletion.
Coding change: c.3534del on transcript NM_000088.4 (MANE Select); coding-DNA position 3534, one base deleted (T; older notation c.3534delT).
Protein change: p.Gly1181fs; shifts the reading frame from glycine 1181.
Molecular consequence: frameshift variant.
Genome position (GRCh38, 1-based): chr17:50,186,920, A deleted on the plus strand (T on the coding strand, the reverse complement: COL1A1 is on the minus strand). VCF-style (leftmost placement, unchanged base first): chr17-50186919-GA-G. GRCh37 (hg19) VCF-style: chr17-48264280-GA-G.
Other names: short protein forms G1181fs.
Identifiers: ClinVar variation 3706315 (VCV003706315.2).
Genomic context (GRCh38, chr17:50,186,919, plus strand): 5'-TGAAGTCGAAACCAGCGCTGGGAGGACCAGGGGGACCAGGAGGTCCAGGAGGGCCGGGGG[GA>G]CCCTGCACAGAGAGGGAAGAGAGTGGGGATTACCGGCATCCAAGTGCTTTGGGGGCTGGA-3'

ClinVar aggregate classification (germline): Pathogenic (1 of 4 stars; one submission).

Conditions:
Osteogenesis imperfecta type I (OI1). Also called: Lobstein's Disease; Lobstein disease; OI, TYPE I; OSTEOGENESIS IMPERFECTA TARDA; OSTEOGENESIS IMPERFECTA WITH BLUE SCLERAE; Osteogenesis imperfecta type 1. Identifiers: Orphanet 216796, Orphanet 666, MedGen C0023931, MONDO:0008146, OMIM 166200. Disease mechanism: loss of function.

Submission:

Labcorp Genetics (formerly Invitae), Labcorp
Classification: Pathogenic for Osteogenesis imperfecta type I. Last evaluated: 2024-09-11. Review status: criteria provided, single submitter. Criteria: Invitae Variant Classification Sherloc (09022015). Collection method: clinical testing. Allele origin: germline.
Comment: This sequence change creates a premature translational stop signal (p.Gly1181Alafs*58) in the COL1A1 gene. It is expected to result in an absent or disrupted protein product. Loss-of-function variants in COL1A1 are known to be pathogenic (PMID: 7942841, 9295084, 9443882). This variant is not present in population databases (gnomAD no frequency). This premature translational stop signal has been observed in individual(s) with osteogenesis imperfecta (PMID: 22206639, 35909573). For these reasons, this variant has been classified as Pathogenic.

Literature cited by the submitters: PubMed 7942841; PubMed 9295084; PubMed 9443882; PubMed 22206639; PubMed 35909573.